The following is an entry in ClinVar:

NM_001378964.1(CDON):c.2685G>A (p.Gln895=)

Gene: CDON (cell adhesion associated, oncogene regulated; minus strand). Cytogenetic location: 11q24.2.
Variant type: single nucleotide variant.
Coding change: c.2685G>A on transcript NM_001378964.1 (MANE Select); coding-DNA position 2685, G replaced by A.
Protein change: p.Gln895=; no amino-acid change (glutamine 895 retained).
Molecular consequence: synonymous variant.
Genome position (GRCh38, 1-based): chr11:125,989,725, C>T on the plus strand (G>A on the coding strand, the complement: CDON is on the minus strand). VCF-style: chr11-125989725-C-T. GRCh37 (hg19) VCF-style: chr11-125859620-C-T.
Other names: c.2685G>A, p.Gln895= (NM_001243597.3, NM_016952.6).
Identifiers: ClinVar variation 3030038 (VCV003030038.2), dbSNP rs370237868, ClinGen allele CA6351638.

ClinVar aggregate classification (germline): Likely benign (0 of 4 stars; one submission).

Conditions:
CDON-related disorder. Also called: CDON-related condition.

Allele frequency attached by ClinVar (database versions not stated): gnomAD 0.00005; ExAC 0.00002; TOPMed 0.00004; ESP Exome Variant Server 0.00008; gnomAD exomes below 0.00001.
gnomAD v4.1: 13 of 1,613,060 alleles (0.00081%); highest among the groups gnomAD compares: African/African-American, 0.016%; no homozygotes.

Submission:

PreventionGenetics, part of Exact Sciences
Classification: Likely benign for CDON-related condition. Last evaluated: 2021-02-23. Review status: no assertion criteria provided. Collection method: clinical testing. Allele origin: germline.
Comment: This variant is classified as likely benign based on ACMG/AMP sequence variant interpretation guidelines (Richards et al. 2015 PMID: 25741868, with internal and published modifications).